The following is an entry in ClinVar:

NM_005219.5(DIAPH1):c.702G>T (p.Met234Ile)

Gene: DIAPH1 (diaphanous related formin 1; minus strand). Cytogenetic location: 5q31.3.
Variant type: single nucleotide variant.
Coding change: c.702G>T on transcript NM_005219.5 (MANE Select); coding-DNA position 702, G replaced by T.
Protein change: p.Met234Ile; replaces methionine 234 with isoleucine.
Molecular consequence: missense variant.
Genome position (GRCh38, 1-based): chr5:141,580,866, C>A on the plus strand (G>T on the coding strand, the complement: DIAPH1 is on the minus strand). VCF-style: chr5-141580866-C-A. GRCh37 (hg19) VCF-style: chr5-140960433-C-A.
Other names: c.675G>T, p.Met225Ile (NM_001079812.3); c.702G>T, p.Met234Ile (NM_001314007.2); short protein forms M225I, M234I.
Identifiers: ClinVar variation 3756647 (VCV003756647.2).
Genomic context (GRCh38, chr5:141,580,866, plus strand): 5'-GTTGGGAACAGCAGGATCCATGGCTCTGACCAGCAGTAGGATTCCTTCTTCTGTCTCCAA[C>A]ATGGTCTTGATTCCAAACTGGTAGGACCAAGAACAAAGAAAGGAGGCTGAAAGACGAAAG-3'
Protein context (NP_005210.3, residues 224-244): FMNNKFGIKT[Met234Ile]LETEEGILLL

ClinVar aggregate classification (germline): Uncertain significance (1 of 4 stars; one submission).

Conditions:
Autosomal dominant nonsyndromic hearing loss 1. Also called: KONIGSMARK SYNDROME; DEAFNESS, AUTOSOMAL DOMINANT 1, WITH OR WITHOUT THROMBOCYTOPENIA. Identifiers: Orphanet 90635, MedGen C1852282, MONDO:0007424, OMIM 124900.
Progressive microcephaly-seizures-cortical blindness-developmental delay syndrome. Also called: Seizures, cortical blindness, and microcephaly syndrome. Identifiers: Orphanet 477814, MedGen C5567650, MONDO:0014714, OMIM 616632.

Submission:

Labcorp Genetics (formerly Invitae), Labcorp
Classification: Uncertain significance for Progressive microcephaly-seizures-cortical blindness-developmental delay syndrome; Autosomal dominant nonsyndromic hearing loss 1. Last evaluated: 2024-09-16. Review status: criteria provided, single submitter. Criteria: Invitae Variant Classification Sherloc (09022015). Collection method: clinical testing. Allele origin: germline.
Comment: This sequence change replaces methionine, which is neutral and non-polar, with isoleucine, which is neutral and non-polar, at codon 234 of the DIAPH1 protein (p.Met234Ile). This variant is not present in population databases (gnomAD no frequency). This variant has not been reported in the literature in individuals affected with DIAPH1-related conditions. Experimental studies and prediction algorithms are not available or were not evaluated, and the functional significance of this variant is currently unknown. In summary, the available evidence is currently insufficient to determine the role of this variant in disease. Therefore, it has been classified as a Variant of Uncertain Significance.